The following is an entry in ClinVar:

NM_001693.4(ATP6V1B2):c.472A>G (p.Ile158Val)

Gene: ATP6V1B2 (ATPase H+ transporting V1 subunit B2; plus strand). Cytogenetic location: 8p21.3.
Variant type: single nucleotide variant.
Coding change: c.472A>G on transcript NM_001693.4 (MANE Select); coding-DNA position 472, A replaced by G.
Protein change: p.Ile158Val; replaces isoleucine 158 with valine.
Molecular consequence: missense variant.
Genome position (GRCh38, 1-based): chr8:20,211,185, A>G. VCF-style: chr8-20211185-A-G. GRCh37 (hg19) VCF-style: chr8-20068696-A-G.
Other names: short protein forms I158V.
Identifiers: ClinVar variation 2672118 (VCV002672118.1), dbSNP rs148416874, ClinGen allele CA4656864.

ClinVar aggregate classification (germline): Uncertain significance (1 of 4 stars; one submission).

Conditions:
Autosomal dominant deafness - onychodystrophy syndrome. Also called: DDOD SYNDROME; Deafness, congenital, with onychodystrophy, autosomal dominant. Identifiers: Orphanet 3231, Orphanet 79499, MedGen C2675730, MONDO:0007420, OMIM 124480.

Allele frequency attached by ClinVar (database versions not stated): ExAC 0.00001; gnomAD exomes 0.00001; TOPMed 0.00002; gnomAD 0.00003; ESP Exome Variant Server 0.00008.
gnomAD v4.1: 14 of 1,611,966 alleles (0.00087%); highest among the groups gnomAD compares: African/African-American, 0.0053%; no homozygotes.

Submission:

Clinical Genomics Laboratory, Washington University in St. Louis
Classification: Uncertain significance for Autosomal dominant deafness - onychodystrophy syndrome. Last evaluated: 2023-09-02. Review status: criteria provided, single submitter. Criteria: ACMG Guidelines, 2015. Collection method: clinical testing. Allele origin: germline.
Comment: The ATP6V1B2 c.472A>G (p.Ile158Val) variant, to our knowledge, has not been reported in the medical literature and is only observed on 4/280,620 alleles in the general population (gnomAD v.2.1.1), indicating it is not a common variant. This codon occurs in an alpha helix but computational predictors are uncertain as to the impact of this variant on ATP6V1B2 function. Due to limited information, and based on ACMG/AMP guidelines for variant interpretation (Richards S et al., PMID: 25741868), the clinical significance of this variant is uncertain at this time.